The following is an entry in ClinVar:

ClinVar aggregate classification (germline): Uncertain significance. Review status: criteria provided, multiple submitters, no conflicts (2 of 4 stars). 3 submissions from 3 submitters: Uncertain significance (3). Last evaluated 2026-02-03.

Conditions:
Hereditary cancer-predisposing syndrome. Also called: Hereditary Cancer Syndrome; Tumor predisposition; Hereditary neoplastic syndrome; Neoplastic Syndromes, Hereditary. Identifiers: Orphanet 140162, MedGen C0027672, MeSH D009386, MONDO:0015356.
Juvenile polyposis syndrome (JPS). Identifiers: Orphanet 2929, MedGen C0345893, MONDO:0017380, OMIM 174900.

Submissions (3):

Labcorp Genetics (formerly Invitae), Labcorp
Classification: Uncertain significance for Juvenile polyposis syndrome. Last evaluated: 2026-02-03. Review status: criteria provided, single submitter. Criteria: Invitae Variant Classification Sherloc (09022015). Collection method: clinical testing. Allele origin: germline.
Comment: This sequence change replaces valine, which is neutral and non-polar, with leucine, which is neutral and non-polar, at codon 474 of the BMPR1A protein (p.Val474Leu). This variant is present in population databases (rs567733221, gnomAD 0.006%). This variant has not been reported in the literature in individuals affected with BMPR1A-related conditions. ClinVar contains an entry for this variant (Variation ID: 1055701). Invitae Evidence Modeling of protein sequence and biophysical properties (such as structural, functional, and spatial information, amino acid conservation, physicochemical variation, residue mobility, and thermodynamic stability) has been performed for this missense variant. However, the output from this modeling did not meet the statistical confidence thresholds required to predict the impact of this variant on BMPR1A protein function. In summary, the available evidence is currently insufficient to determine the role of this variant in disease. Therefore, it has been classified as a Variant of Uncertain Significance.

Color Diagnostics, LLC DBA Color Health
Classification: Uncertain significance for Hereditary cancer-predisposing syndrome. Last evaluated: 2025-02-17. Review status: criteria provided, single submitter. Criteria: ACMG Guidelines, 2015. Collection method: clinical testing. Allele origin: germline.
Comment: This missense variant replaces valine with leucine at codon 474 of the BMPR1A protein. Computational prediction suggests that this variant may not impact protein structure and function. To our knowledge, functional studies have not been reported for this variant. This variant has not been reported in individuals affected with BMPR1A-related disorders in the literature. This variant has been identified in 1/251494 chromosomes in the general population by the Genome Aggregation Database (gnomAD). The available evidence is insufficient to determine the role of this variant in disease conclusively. Therefore, this variant is classified as a Variant of Uncertain Significance.

Ambry Genetics
Classification: Uncertain significance for Hereditary cancer-predisposing syndrome. Last evaluated: 2024-01-30. Review status: criteria provided, single submitter. Criteria: Ambry Variant Classification Scheme 2023. Collection method: clinical testing. Allele origin: germline.
Comment: The p.V474L variant (also known as c.1420G>T), located in coding exon 10 of the BMPR1A gene, results from a G to T substitution at nucleotide position 1420. The valine at codon 474 is replaced by leucine, an amino acid with highly similar properties. This amino acid position is highly conserved in available vertebrate species. In addition, the in silico prediction for this alteration is inconclusive. Based on the available evidence, the clinical significance of this alteration remains unclear.

NM_004329.3(BMPR1A):c.1420G>T (p.Val474Leu)

Gene: BMPR1A (bone morphogenetic protein receptor type 1A; plus strand). Cytogenetic location: 10q23.2.
Variant type: single nucleotide variant.
Coding change: c.1420G>T on transcript NM_004329.3 (MANE Select); coding-DNA position 1420, G replaced by T.
Protein change: p.Val474Leu; replaces valine 474 with leucine.
Molecular consequence: missense variant.
Genome position (GRCh38, 1-based): chr10:86,923,453, G>T. VCF-style: chr10-86923453-G-T. GRCh37 (hg19) VCF-style: chr10-88683210-G-T.
Other names: c.1420G>T (NM_004329.2); short protein forms V474L.
Identifiers: ClinVar variation 1055701 (VCV001055701.11), dbSNP rs567733221, ClinGen allele CA5585715.